The following is an entry in ClinVar:

NM_001605.3(AARS1):c.1536G>A (p.Glu512=)

Gene: AARS1 (alanyl-tRNA synthetase 1; minus strand). Cytogenetic location: 16q22.1.
Variant type: single nucleotide variant.
Coding change: c.1536G>A on transcript NM_001605.3 (MANE Select); coding-DNA position 1536, G replaced by A.
Protein change: p.Glu512=; no amino-acid change (glutamic acid 512 retained).
Molecular consequence: synonymous variant.
Genome position (GRCh38, 1-based): chr16:70,262,481, C>T on the plus strand (G>A on the coding strand, the complement: AARS1 is on the minus strand). VCF-style: chr16-70262481-C-T. GRCh37 (hg19) VCF-style: chr16-70296384-C-T.
Other names: c.1536G>A (NM_001605.2).
Identifiers: ClinVar variation 1682213 (VCV001682213.9), dbSNP rs774309980, ClinGen allele CA8140763.

ClinVar aggregate classification (germline): Likely benign. Review status: criteria provided, multiple submitters, no conflicts (2 of 4 stars). 2 submissions from 2 submitters: Likely benign (2). Last evaluated 2025-01-12.

Conditions:
AARS1-related disorder. Also called: AARS1-related condition.
Charcot-Marie-Tooth disease type 2. Also called: Charcot-Marie-Tooth type 2. Identifiers: Orphanet 64746, MedGen C0270914, MONDO:0018993.

Allele frequency attached by ClinVar (database versions not stated): gnomAD exomes below 0.00001; gnomAD 0.00001; TOPMed 0.00001; ExAC 0.00002.
gnomAD v4.1: 2 of 1,614,078 alleles (0.00012%); highest among the groups gnomAD compares: Non-Finnish European, 0.00017%; no homozygotes.

Submissions (2):

PreventionGenetics, part of Exact Sciences
Classification: Likely benign for AARS1-related condition. Last evaluated: 2025-01-12. Review status: criteria provided, single submitter. Criteria: ACMG Guidelines, 2015. Collection method: clinical testing. Allele origin: germline.
Comment: This variant is classified as likely benign based on ACMG/AMP sequence variant interpretation guidelines (Richards et al. 2015 PMID: 25741868, with internal and published modifications).

Labcorp Genetics (formerly Invitae), Labcorp
Classification: Likely benign for Charcot-Marie-Tooth disease type 2. Last evaluated: 2024-10-30. Review status: criteria provided, single submitter. Criteria: Invitae Variant Classification Sherloc (09022015). Collection method: clinical testing. Allele origin: germline.